The following is an entry in ClinVar:

ClinVar aggregate classification (germline): Benign/Likely benign. Review status: criteria provided, multiple submitters, no conflicts (2 of 4 stars). 15 submissions from 15 submitters: Benign (11); Likely benign (1). 3 of the submissions do not count toward it. Last evaluated 2026-02-02.

Conditions:
Cardiovascular phenotype. Identifiers: MedGen CN230736.
Dilated cardiomyopathy 1KK (CMD1KK). Identifiers: Orphanet 154, Orphanet 75249, MedGen C3714995, MONDO:0014100, OMIM 615248.

Allele frequency attached by ClinVar (database versions not stated): 1000 Genomes Project 0.01038; 1000 Genomes Project 30x 0.01077; TOPMed 0.01801; gnomAD 0.01815 and 0.01839; gnomAD exomes 0.01825 and 0.02613; ExAC 0.01838; ESP Exome Variant Server 0.02453.
gnomAD v4.1: 40,828 of 1,613,978 alleles (2.5%); highest among the groups gnomAD compares: Non-Finnish European, 3%; 656 homozygotes.

Submissions (19):

Labcorp Genetics (formerly Invitae), Labcorp
Classification: Benign for Dilated cardiomyopathy 1KK. Last evaluated: 2026-02-02. Review status: criteria provided, single submitter. Criteria: Invitae Variant Classification Sherloc (09022015). Collection method: clinical testing. Allele origin: germline.

ARUP Laboratories, Molecular Genetics and Genomics, ARUP Laboratories
Classification: Benign. Last evaluated: 2023-10-26. Review status: criteria provided, single submitter. Criteria: ARUP Molecular Germline Variant Investigation Process 2024. Collection method: clinical testing. Allele origin: germline.

Women's Health and Genetics/Laboratory Corporation of America, LabCorp
Classification: Likely benign. Last evaluated: 2023-04-17. Review status: criteria provided, single submitter. Criteria: LabCorp Variant Classification Summary - May 2015. Collection method: clinical testing. Allele origin: germline.

Mayo Clinic Laboratories, Mayo Clinic
Classification: Benign. Last evaluated: 2023-03-17. Review status: criteria provided, single submitter. Criteria: ACMG Guidelines, 2015. Collection method: clinical testing. Allele origin: germline. Observed: 86 variant alleles.
Comment: BS1, BS2, BP4

Molecular Diagnostic Laboratory for Inherited Cardiovascular Disease, Montreal Heart Institute
Classification: Benign. Last evaluated: 2016-06-13. Review status: criteria provided, single submitter. Criteria: ACMG Guidelines, 2015. Collection method: clinical testing. Allele origin: germline. Affected: yes.

Clinical Genetics DNA and cytogenetics Diagnostics Lab, Erasmus MC, Erasmus Medical Center
Classification: Benign for Dilated cardiomyopathy 1KK. Last evaluated: 2015-09-21. Review status: criteria provided, single submitter. Criteria: ACGS Guidelines, 2013. Collection method: clinical testing. Allele origin: germline. Affected: yes. Study: VKGL Data-share Consensus.

Ambry Genetics
Classification: Benign for Cardiovascular phenotype. Last evaluated: 2015-07-15. Review status: criteria provided, single submitter. Criteria: Ambry Variant Classification Scheme 2023. Collection method: clinical testing. Allele origin: germline.

Laboratory for Molecular Medicine, Mass General Brigham Personalized Medicine
Classification: Benign. Last evaluated: 2015-01-13. Review status: criteria provided, single submitter. Criteria: LMM Criteria. Collection method: clinical testing. Allele origin: germline. Observed: 17 variant alleles.
Comment: p.Gly804Arg in exon 12 of MYPN: This variant is not expected to have clinical si gnificance because it has been identified in 3.5% (301/8600) of European America n chromosomes from a broad population by the NHLBI Exome Sequencing Project (dbSNP rs62620248).

Genome Diagnostics Laboratory, University Medical Center Utrecht
Classification: Benign for Dilated cardiomyopathy 1KK. Last evaluated: 2014-10-09. Review status: criteria provided, single submitter. Criteria: ACGS Guidelines, 2013. Collection method: clinical testing. Allele origin: germline. Affected: yes. Study: VKGL Data-share Consensus.

GeneDx
Classification: Benign. Last evaluated: 2013-12-09. Review status: criteria provided, single submitter. Criteria: GeneDx Variant Classification (06012015). Collection method: clinical testing. Allele origin: germline. Affected: yes.
Comment: This variant is considered likely benign or benign based on one or more of the following criteria: it is a conservative change, it occurs at a poorly conserved position in the protein, it is predicted to be benign by multiple in silico algorithms, and/or has population frequency not consistent with disease.

Biesecker Lab/Clinical Genomics Section, National Institutes of Health
Classification: Benign. Last evaluated: 2013-06-24. Review status: criteria provided, single submitter. Criteria: Ng et al. (Circ Cardiovasc Genet. 2013). Collection method: research. Allele origin: unknown. Observed: 43 variant alleles. Study: ClinSeq.
Comment: The study set was not selected for affection status in relation to any cancer. Pathogenicity categories were based on literature curation. See Pubmed ID:23861362 for details.

Medical sequencing

Breakthrough Genomics
Classification: Benign. Review status: criteria provided, single submitter. Criteria: ACMG Guidelines, 2015. Collection method: not provided. Allele origin: germline. Inheritance: Autosomal recessive inheritance. Affected: yes.

Leiden Muscular Dystrophy (MYPN)
No classification provided. Last evaluated: 2012-04-27. Review status: no classification provided. Collection method: curation. Allele origin: germline. Not counted in ClinVar's aggregate classification.

Clinical Genetics, Academic Medical Center
Classification: Benign. Review status: no assertion criteria provided. Collection method: clinical testing. Allele origin: germline. Affected: yes. Study: VKGL Data-share Consensus. Not counted in ClinVar's aggregate classification.

Dr. Peter K. Rogan Lab, Western University
No classification provided (evidence only). Condition: Lung cancer. Review status: no classification provided. Collection method: in vitro. Allele origin: not applicable. Functional consequence: retained intron. Not counted in ClinVar's aggregate classification.

Dr. Peter K. Rogan Lab, Western University
No classification provided (evidence only). Condition: Colon adenocarcinoma. Review status: no classification provided. Collection method: in vitro. Allele origin: not applicable. Functional consequence: retained intron. Not counted in ClinVar's aggregate classification.

Dr. Peter K. Rogan Lab, Western University
No classification provided (evidence only). Condition: Hepatocellular carcinoma. Review status: no classification provided. Collection method: in vitro. Allele origin: not applicable. Functional consequence: retained intron. Not counted in ClinVar's aggregate classification.

Dr. Peter K. Rogan Lab, Western University
No classification provided (evidence only). Condition: Adrenocortical carcinoma, hereditary. Review status: no classification provided. Collection method: in vitro. Allele origin: not applicable. Functional consequence: retained intron. Not counted in ClinVar's aggregate classification.

Joint Genome Diagnostic Labs from Nijmegen and Maastricht, Radboudumc and MUMC+
Classification: Benign. Review status: no assertion criteria provided. Collection method: clinical testing. Allele origin: germline. Affected: yes. Study: VKGL Data-share Consensus. Not counted in ClinVar's aggregate classification.

NM_032578.4(MYPN):c.2410G>A (p.Gly804Arg)

Gene: MYPN (myopalladin; plus strand). Cytogenetic location: 10q21.3.
Variant type: single nucleotide variant.
Coding change: c.2410G>A on transcript NM_032578.4 (MANE Select); coding-DNA position 2410, G replaced by A.
Protein change: p.Gly804Arg; replaces glycine 804 with arginine.
Molecular consequence: missense variant. On other transcripts: non-coding transcript variant (2).
Genome position (GRCh38, 1-based): chr10:68,174,502, G>A. VCF-style: chr10-68174502-G-A. GRCh37 (hg19) VCF-style: chr10-69934259-G-A.
Other names: p.G804R:GGA>AGA; c.2410G>A, p.Gly804Arg (NM_001256267.2); c.1528G>A, p.Gly510Arg (NM_001256268.2); short protein forms G804R, G510R.
Identifiers: ClinVar variation 31809 (VCV000031809.41), dbSNP rs62620248, ClinGen allele CA200032.